The following is an entry in ClinVar:

NM_016169.4(SUFU):c.358T>G (p.Leu120Val)

Gene: SUFU (SUFU negative regulator of hedgehog signaling; plus strand). Cytogenetic location: 10q24.32.
Variant type: single nucleotide variant.
Coding change: c.358T>G on transcript NM_016169.4 (MANE Select); coding-DNA position 358, T replaced by G.
Protein change: p.Leu120Val; replaces leucine 120 with valine.
Molecular consequence: missense variant.
Genome position (GRCh38, 1-based): chr10:102,550,010, T>G. VCF-style: chr10-102550010-T-G. GRCh37 (hg19) VCF-style: chr10-104309767-T-G.
Other names: c.358T>G, p.Leu120Val (NM_001178133.2); short protein forms L120V.
Identifiers: ClinVar variation 1435044 (VCV001435044.10), dbSNP rs1415947980, ClinGen allele CA377903188.

ClinVar aggregate classification (germline): Uncertain significance. Review status: criteria provided, multiple submitters, no conflicts (2 of 4 stars). 2 submissions from 2 submitters: Uncertain significance (2). Last evaluated 2025-11-23.

Conditions:
Gorlin syndrome. Also called: Basal cell nevus syndrome; Nevoid Basal Cell Carcinoma Syndrome. Identifiers: Orphanet 377, MedGen C0004779, MONDO:0007187.
Medulloblastoma (MDB). Also called: MEDULLOBLASTOMA PREDISPOSITION SYNDROME; Medulloblastoma, somatic. Identifiers: Orphanet 616, MedGen C0025149, MeSH D008527, MONDO:0007959, OMIM 155255, HP:0002885.
Hereditary cancer-predisposing syndrome. Also called: Neoplastic Syndromes, Hereditary; Hereditary Cancer Syndrome; Tumor predisposition; Hereditary neoplastic syndrome. Identifiers: Orphanet 140162, MedGen C0027672, MeSH D009386, MONDO:0015356.

Allele frequency attached by ClinVar (database versions not stated): gnomAD exomes below 0.00001.

Submissions (2):

Labcorp Genetics (formerly Invitae), Labcorp
Classification: Uncertain significance for Gorlin syndrome; Medulloblastoma. Last evaluated: 2025-11-23. Review status: criteria provided, single submitter. Criteria: Invitae Variant Classification Sherloc (09022015). Collection method: clinical testing. Allele origin: germline.
Comment: This sequence change replaces leucine, which is neutral and non-polar, with valine, which is neutral and non-polar, at codon 120 of the SUFU protein (p.Leu120Val). This variant is present in population databases (no rsID available, gnomAD 0.0009%). This variant has not been reported in the literature in individuals affected with SUFU-related conditions. ClinVar contains an entry for this variant (Variation ID: 1435044). Invitae Evidence Modeling of protein sequence and biophysical properties (such as structural, functional, and spatial information, amino acid conservation, physicochemical variation, residue mobility, and thermodynamic stability) indicates that this missense variant is expected to disrupt SUFU protein function with a positive predictive value of 80%. In summary, the available evidence is currently insufficient to determine the role of this variant in disease. Therefore, it has been classified as a Variant of Uncertain Significance.

Ambry Genetics
Classification: Uncertain significance for Hereditary cancer-predisposing syndrome. Last evaluated: 2021-06-18. Review status: criteria provided, single submitter. Criteria: Ambry Variant Classification Scheme 2023. Collection method: clinical testing. Allele origin: germline.
Comment: The p.L120V variant (also known as c.358T>G), located in coding exon 3 of the SUFU gene, results from a T to G substitution at nucleotide position 358. The leucine at codon 120 is replaced by valine, an amino acid with highly similar properties. This amino acid position is highly conserved in available vertebrate species. In addition, this alteration is predicted to be deleterious by in silico analysis. Since supporting evidence is limited at this time, the clinical significance of this alteration remains unclear.